The following is an entry in ClinVar:

NM_001271938.2(MEGF8):c.2971C>T (p.Arg991Ter)

Gene: MEGF8 (multiple EGF like domains 8; plus strand). Cytogenetic location: 19q13.2.
Variant type: single nucleotide variant.
Coding change: c.2971C>T on transcript NM_001271938.2 (MANE Select); coding-DNA position 2971, C replaced by T.
Protein change: p.Arg991Ter; replaces arginine 991 with a stop codon.
Molecular consequence: nonsense.
Genome position (GRCh38, 1-based): chr19:42,351,544, C>T. VCF-style: chr19-42351544-C-T. GRCh37 (hg19) VCF-style: chr19-42855696-C-T.
Other names: c.2770C>T, p.Arg924Ter (NM_001410.3); short protein forms R924*, R991*.
Identifiers: ClinVar variation 2988042 (VCV002988042.4), dbSNP rs779375840, ClinGen allele CA9474852.

ClinVar aggregate classification (germline): Pathogenic/Likely pathogenic. Review status: criteria provided, multiple submitters, no conflicts (2 of 4 stars). 2 submissions from 2 submitters: Pathogenic (1); Likely pathogenic (1). Last evaluated 2024-04-09.

Conditions:
MEGF8-related Carpenter syndrome. Also called: Carpenter syndrome 2. Identifiers: Orphanet 65759, MedGen C3554247, MONDO:0013998, OMIM 614976.

Allele frequency attached by ClinVar (database versions not stated): gnomAD 0.00002; TOPMed 0.00002; ExAC 0.00003.
gnomAD v4.1: 37 of 1,609,236 alleles (0.0023%); highest among the groups gnomAD compares: Non-Finnish European, 0.0031%; no homozygotes.

Submissions (2):

Fulgent Genetics
Classification: Likely pathogenic for MEGF8-related Carpenter syndrome. Last evaluated: 2024-04-09. Review status: criteria provided, single submitter. Criteria: ACMG Guidelines, 2015. Collection method: clinical testing. Allele origin: germline.

Labcorp Genetics (formerly Invitae), Labcorp
Classification: Pathogenic for MEGF8-related Carpenter syndrome. Last evaluated: 2023-11-24. Review status: criteria provided, single submitter. Criteria: Invitae Variant Classification Sherloc (09022015). Collection method: clinical testing. Allele origin: germline.
Comment: This sequence change creates a premature translational stop signal (p.Arg924*) in the MEGF8 gene. It is expected to result in an absent or disrupted protein product. Loss-of-function variants in MEGF8 are known to be pathogenic (PMID: 23063620). The frequency data for this variant in the population databases is considered unreliable, as metrics indicate poor data quality at this position in the gnomAD database. This variant has not been reported in the literature in individuals affected with MEGF8-related conditions. For these reasons, this variant has been classified as Pathogenic.

Literature cited by the submitters: PubMed 23063620 (cited by Labcorp Genetics (formerly Invitae), Labcorp).